The following is an entry in ClinVar:

ClinVar aggregate classification (germline): Uncertain significance (1 of 4 stars; one submission).

Conditions:
Retinitis pigmentosa 45 (RP45). Identifiers: Orphanet 791, MedGen C3151066, MONDO:0013413, OMIM 613767.

gnomAD v4.1: 5 of 1,614,080 alleles (0.00031%); highest among the groups gnomAD compares: Non-Finnish European, 0.00042%; no homozygotes.

Submission:

Baylor Genetics
Classification: Uncertain significance for Retinitis pigmentosa 45. Last evaluated: 2019-11-26. Review status: criteria provided, single submitter. Criteria: ACMG Guidelines, 2015. Collection method: clinical testing. Allele origin: unknown. Affected: yes.
Comment: This variant was determined to be of uncertain significance according to ACMG Guidelines, 2015 [PMID:25741868].

NM_001297.5(CNGB1):c.2543G>T (p.Gly848Val)

Gene: CNGB1 (cyclic nucleotide gated channel subunit beta 1; minus strand). Cytogenetic location: 16q21.
Variant type: single nucleotide variant.
Coding change: c.2543G>T on transcript NM_001297.5 (MANE Select); coding-DNA position 2543, G replaced by T.
Protein change: p.Gly848Val; replaces glycine 848 with valine.
Molecular consequence: missense variant.
Genome position (GRCh38, 1-based): chr16:57,904,825, C>A on the plus strand (G>T on the coding strand, the complement: CNGB1 is on the minus strand). VCF-style: chr16-57904825-C-A. GRCh37 (hg19) VCF-style: chr16-57938729-C-A.
Other names: c.2525G>T, p.Gly842Val (NM_001286130.2); short protein forms G848V, G842V.
Identifiers: ClinVar variation 1029308 (VCV001029308.1), dbSNP rs758072259, ClinGen allele CA396058816.